The following is an entry in ClinVar:

NM_001429.4(EP300):c.580_587del (p.Gly194fs)

Gene: EP300 (E1A binding protein p300; plus strand). Cytogenetic location: 22q13.2.
Variant type: Deletion.
Coding change: c.580_587del on transcript NM_001429.4 (MANE Select); coding-DNA positions 580 to 587, 8 bases deleted (GGTTCAAT; older notation c.580_587delGGTTCAAT).
Protein change: p.Gly194fs; shifts the reading frame from glycine 194.
Molecular consequence: frameshift variant.
Genome position (GRCh38, 1-based): chr22:41,117,672-41,117,679, GGTTCAAT deleted. VCF-style (leftmost placement, unchanged base first): chr22-41117671-CGGTTCAAT-C. GRCh37 (hg19) VCF-style: chr22-41513675-CGGTTCAAT-C.
Other names: c.580_587del, p.Gly194fs (NM_001362843.2); short protein forms G194fs.
Identifiers: ClinVar variation 2230000 (VCV002230000.2), dbSNP rs2518116633, ClinGen allele CA2580099810.
Genomic context (GRCh38, chr22:41,117,671, plus strand): 5'-GAATCCTGGAATGTTGGCTGCAGGCAATGGACAAGGGATAATGCCTAATCAAGTCATGAA[CGGTTCAAT>C]TGGAGCAGGCCGAGGGCGACAGAATATGCAGTACCCAAACCCAGGCATGGGAAGTGCTGG-3'

ClinVar aggregate classification (germline): Pathogenic (1 of 4 stars; one submission).

Conditions:
Inborn genetic diseases. Identifiers: MedGen C0950123, MeSH D030342.

Submission:

Ambry Genetics
Classification: Pathogenic for Inborn genetic diseases. Last evaluated: 2021-03-15. Review status: criteria provided, single submitter. Criteria: Ambry Variant Classification Scheme 2023. Collection method: clinical testing. Allele origin: germline.
Comment: The c.580_587delGGTTCAAT (p.G194Wfs*25) alteration, located in exon 2 (coding exon 2) of the EP300 gene, consists of a deletion of 8 nucleotides from position 580 to 587, causing a translational frameshift with a predicted alternate stop codon after 25 amino acids. This alteration is expected to result in loss of function by premature protein truncation or nonsense-mediated mRNA decay. Based on data from the Genome Aggregation Database (gnomAD), the EP300 c.580_587delGGTTCAAT alteration was not observed, with coverage at this position. Based on the available evidence, this alteration is classified as pathogenic.